The following is an entry in ClinVar:

ClinVar aggregate classification (germline): Uncertain significance (1 of 4 stars; one submission).

Conditions:
Inborn genetic diseases. Identifiers: MedGen C0950123, MeSH D030342.

gnomAD v4.1: 1 of 1,541,368 alleles (0.000065%); highest among the groups gnomAD compares: Non-Finnish European, 0.000089%; no homozygotes.

Submission:

Ambry Genetics
Classification: Uncertain significance for Inborn genetic diseases. Last evaluated: 2026-06-16. Review status: criteria provided, single submitter. Criteria: Ambry Variant Classification Scheme 2023. Collection method: clinical testing. Allele origin: germline.
Comment: The p.R492I variant (also known as c.1475G>T), located in coding exon 14 of the ANKRD26 gene, results from a G to T substitution at nucleotide position 1475. The arginine at codon 492 is replaced by isoleucine, an amino acid with similar properties. This amino acid position is conserved. In addition, this alteration is predicted to be tolerated by in silico analysis. Based on the available evidence, the clinical significance of this variant remains unclear.

NM_014915.3(ANKRD26):c.1475G>T (p.Arg492Ile)

Gene: ANKRD26 (ankyrin repeat domain 26; minus strand). Cytogenetic location: 10p12.1.
Variant type: single nucleotide variant.
Coding change: c.1475G>T on transcript NM_014915.3 (MANE Select); coding-DNA position 1475, G replaced by T.
Protein change: p.Arg492Ile; replaces arginine 492 with isoleucine.
Molecular consequence: missense variant.
Genome position (GRCh38, 1-based): chr10:27,060,528, C>A on the plus strand (G>T on the coding strand, the complement: ANKRD26 is on the minus strand). VCF-style: chr10-27060528-C-A. GRCh37 (hg19) VCF-style: chr10-27349457-C-A.
Other names: c.1475G>T, p.Arg492Ile (NM_001256053.2); short protein forms R492I.
Identifiers: ClinVar variation 5022762 (VCV005022762.1).